The following is an entry in ClinVar:

NM_015412.4(RMP64):c.871G>A (p.Val291Met)

Gene: RMP64 (ribonuclease MRP subunit p64; minus strand). Cytogenetic location: 3q13.2.
Variant type: single nucleotide variant.
Coding change: c.871G>A on transcript NM_015412.4 (MANE Select); coding-DNA position 871, G replaced by A.
Protein change: p.Val291Met; replaces valine 291 with methionine.
Molecular consequence: missense variant. On other transcripts: non-coding transcript variant (1).
Genome position (GRCh38, 1-based): chr3:113,011,087, C>T on the plus strand (G>A on the coding strand, the complement: RMP64 is on the minus strand). VCF-style: chr3-113011087-C-T. GRCh37 (hg19) VCF-style: chr3-112729934-C-T.
Other names: c.661G>A, p.Val221Met (NM_001319109.2); c.370G>A, p.Val124Met (NM_001319110.2); c.262G>A, p.Val88Met (NM_001319111.2); c.538G>A, p.Val180Met (NM_001319112.2); c.463G>A, p.Val155Met (NM_001319114.2); c.580G>A, p.Val194Met (NM_001319115.2); short protein forms V124M, V155M, V180M, V194M, V221M, V291M, V88M.
Identifiers: ClinVar variation 2634306 (VCV002634306.1), dbSNP rs149162288, ClinGen allele CA2542062.

ClinVar aggregate classification (germline): Uncertain significance (1 of 4 stars; one submission).

Conditions:
NEPRO-related disorder. Also called: NEPRO-related condition.

Allele frequency attached by ClinVar (database versions not stated): 1000 Genomes Project 0.00060; 1000 Genomes Project 30x 0.00062; ESP Exome Variant Server 0.00062; ExAC 0.00087; gnomAD 0.00096; TOPMed 0.00109; gnomAD exomes 0.00128.
gnomAD v4.1: 2,007 of 1,610,442 alleles (0.12%); highest among the groups gnomAD compares: Non-Finnish European, 0.15%; 5 homozygotes.

Submission:

PreventionGenetics, part of Exact Sciences
Classification: Uncertain significance for NEPRO-related condition. Last evaluated: 2023-07-27. Review status: criteria provided, single submitter. Criteria: ACMG Guidelines, 2015. Collection method: clinical testing. Allele origin: germline.
Comment: The NEPRO c.871G>A variant is predicted to result in the amino acid substitution p.Val291Met. To our knowledge, this variant has not been reported in the literature. This variant is reported in 0.13% of alleles in individuals of European (Non-Finnish) descent in gnomAD. At this time, the clinical significance of this variant is uncertain due to the absence of conclusive functional and genetic evidence.